The following is an entry in ClinVar:

NM_024496.4(IRF2BPL):c.279A>G (p.Ala93=)

Genes: IRF2BPL (interferon regulatory factor 2 binding protein like; minus strand), LOC107984638 (uncharacterized LOC107984638; plus strand). Cytogenetic location: 14q24.3.
Variant type: single nucleotide variant.
Coding change: c.279A>G on transcript NM_024496.4 (MANE Select); coding-DNA position 279, A replaced by G.
Protein change: p.Ala93=; no amino-acid change (alanine 93 retained).
Molecular consequence: synonymous variant.
Genome position (GRCh38, 1-based): chr14:77,027,514, T>C on the plus strand (A>G on the coding strand, the complement: IRF2BPL is on the minus strand). VCF-style: chr14-77027514-T-C. GRCh37 (hg19) VCF-style: chr14-77493857-T-C.
Identifiers: ClinVar variation 2644422 (VCV002644422.24), dbSNP rs1052192303, ClinGen allele CA487507967.

ClinVar aggregate classification (germline): Likely benign (1 of 4 stars; one submission).

Allele frequency attached by ClinVar (database versions not stated): gnomAD exomes 0.00033.
gnomAD v4.1: 271 of 648,404 alleles (0.042%); highest among the groups gnomAD compares: African/African-American, 0.27%; no homozygotes.

Submission:

CeGaT Center for Human Genetics Tuebingen
Classification: Likely benign. Last evaluated: 2025-11-01. Review status: criteria provided, single submitter. Criteria: CeGaT Center For Human Genetics Tuebingen Variant Classification Criteria Version 2. Collection method: clinical testing. Allele origin: germline. Affected: yes. Observed: 3 variant alleles.
Comment: IRF2BPL: BP4, BP7